The following is an entry in ClinVar:

NM_052867.4(NALCN):c.4685C>A (p.Thr1562Asn)

Gene: NALCN (sodium leak channel, non-selective; minus strand). Cytogenetic location: 13q32.3.
Variant type: single nucleotide variant.
Coding change: c.4685C>A on transcript NM_052867.4 (MANE Select); coding-DNA position 4685, C replaced by A.
Protein change: p.Thr1562Asn; replaces threonine 1562 with asparagine.
Molecular consequence: missense variant.
Genome position (GRCh38, 1-based): chr13:101,062,038, G>T on the plus strand (C>A on the coding strand, the complement: NALCN is on the minus strand). VCF-style: chr13-101062038-G-T. GRCh37 (hg19) VCF-style: chr13-101714390-G-T.
Other names: c.4772C>A, p.Thr1591Asn (NM_001350748.2); c.4685C>A, p.Thr1562Asn (NM_001350749.2); c.4598C>A, p.Thr1533Asn (NM_001350750.2, NM_001350751.2); short protein forms T1562N, T1533N, T1591N.
Identifiers: ClinVar variation 4696634 (VCV004696634.1).

ClinVar aggregate classification (germline): Uncertain significance (1 of 4 stars; one submission).

gnomAD v4.1: 14 of 1,614,126 alleles (0.00087%); highest among the groups gnomAD compares: South Asian, 0.013%; no homozygotes.

Submission:

Labcorp Genetics (formerly Invitae), Labcorp
Classification: Uncertain significance. Last evaluated: 2026-01-27. Review status: criteria provided, single submitter. Criteria: Invitae Variant Classification Sherloc (09022015). Collection method: clinical testing. Allele origin: germline.
Comment: This sequence change replaces threonine, which is neutral and polar, with asparagine, which is neutral and polar, at codon 1562 of the NALCN protein (p.Thr1562Asn). This variant is present in population databases (rs757526081, gnomAD 0.006%). This variant has not been reported in the literature in individuals affected with NALCN-related conditions. Invitae Evidence Modeling of protein sequence and biophysical properties (such as structural, functional, and spatial information, amino acid conservation, physicochemical variation, residue mobility, and thermodynamic stability) indicates that this missense variant is not expected to disrupt NALCN protein function with a negative predictive value of 80%. In summary, the available evidence is currently insufficient to determine the role of this variant in disease. Therefore, it has been classified as a Variant of Uncertain Significance.